The following is an entry in ClinVar:

NM_000784.4(CYP27A1):c.311T>A (p.Met104Lys)

Gene: CYP27A1 (cytochrome P450 family 27 subfamily A member 1; plus strand). Cytogenetic location: 2q35.
Variant type: single nucleotide variant.
Coding change: c.311T>A on transcript NM_000784.4 (MANE Select); coding-DNA position 311, T replaced by A.
Protein change: p.Met104Lys; replaces methionine 104 with lysine.
Molecular consequence: missense variant.
Genome position (GRCh38, 1-based): chr2:218,809,632, T>A. VCF-style: chr2-218809632-T-A. GRCh37 (hg19) VCF-style: chr2-219674355-T-A.
Other names: short protein forms M104K.
Identifiers: ClinVar variation 3499104 (VCV003499104.1).
Genomic context (GRCh38, chr2:218,809,632, plus strand): 5'-CACAGGTGCTTTACAAGGCCAAGTACGGTCCAATGTGGATGTCCTACTTAGGGCCTCAGA[T>A]GCACGTGAACCTGGCCAGTGCCCCGCTCTTGGAGCAAGTGATGCGGCAAGAGGGCAAGTA-3'
Protein context (NP_000775.1, residues 94-114): PMWMSYLGPQ[Met104Lys]HVNLASAPLL

ClinVar aggregate classification (germline): Uncertain significance (1 of 4 stars; one submission).

Conditions:
Cardiovascular phenotype. Identifiers: MedGen CN230736.

Submission:

Ambry Genetics
Classification: Uncertain significance for Cardiovascular phenotype. Last evaluated: 2024-07-11. Review status: criteria provided, single submitter. Criteria: Ambry Variant Classification Scheme 2023. Collection method: clinical testing. Allele origin: germline.
Comment: The p.M104K variant (also known as c.311T>A), located in coding exon 2 of the CYP27A1 gene, results from a T to A substitution at nucleotide position 311. The methionine at codon 104 is replaced by lysine, an amino acid with similar properties. This amino acid position is conserved. In addition, this alteration is predicted to be tolerated by in silico analysis. Based on the available evidence, the clinical significance of this variant remains unclear.